The following is an entry in ClinVar:

NM_004360.5(CDH1):c.1106A>T (p.Asn369Ile)

Gene: CDH1 (cadherin 1; plus strand). Cytogenetic location: 16q22.1.
Variant type: single nucleotide variant.
Coding change: c.1106A>T on transcript NM_004360.5 (MANE Select); coding-DNA position 1106, A replaced by T.
Protein change: p.Asn369Ile; replaces asparagine 369 with isoleucine.
Molecular consequence: missense variant. On other transcripts: 5 prime UTR variant (2).
Genome position (GRCh38, 1-based): chr16:68,812,232, A>T. VCF-style: chr16-68812232-A-T. GRCh37 (hg19) VCF-style: chr16-68846135-A-T.
Other names: c.1106A>T, p.Asn369Ile (NM_001317184.2); c.-510A>T (NM_001317185.2); c.-714A>T (NM_001317186.2); short protein forms N369I.
Identifiers: ClinVar variation 5033894 (VCV005033894.1).

ClinVar aggregate classification (germline): Uncertain significance (1 of 4 stars; one submission).

Conditions:
Hereditary cancer-predisposing syndrome. Also called: Neoplastic Syndromes, Hereditary; Tumor predisposition; Hereditary neoplastic syndrome; Hereditary Cancer Syndrome. Identifiers: Orphanet 140162, MedGen C0027672, MeSH D009386, MONDO:0015356.

Submission:

Ambry Genetics
Classification: Uncertain significance for Hereditary cancer-predisposing syndrome. Last evaluated: 2026-07-06. Review status: criteria provided, single submitter. Criteria: Ambry Variant Classification Scheme 2023. Collection method: clinical testing. Allele origin: germline.
Comment: The p.N369I variant (also known as c.1106A>T), located in coding exon 8 of the CDH1 gene, results from an A to T substitution at nucleotide position 1106. The asparagine at codon 369 is replaced by isoleucine, an amino acid with dissimilar properties. This amino acid position is conserved. In addition, this alteration is predicted to be deleterious by in silico analysis. Based on the available evidence, the clinical significance of this variant remains unclear.